The following is an entry in ClinVar:

NM_032119.4(ADGRV1):c.7547G>A (p.Gly2516Asp)

Gene: ADGRV1 (adhesion G protein-coupled receptor V1; plus strand). Cytogenetic location: 5q14.3.
Variant type: single nucleotide variant.
Coding change: c.7547G>A on transcript NM_032119.4 (MANE Select); coding-DNA position 7547, G replaced by A.
Protein change: p.Gly2516Asp; replaces glycine 2516 with aspartic acid.
Molecular consequence: missense variant. On other transcripts: non-coding transcript variant (1).
Genome position (GRCh38, 1-based): chr5:90,694,303, G>A. VCF-style: chr5-90694303-G-A. GRCh37 (hg19) VCF-style: chr5-89990120-G-A.
Other names: short protein forms G2516D.
Identifiers: ClinVar variation 1997578 (VCV001997578.4), dbSNP rs1412837241, ClinGen allele CA360379232.
Genomic context (GRCh38, chr5:90,694,303, plus strand): 5'-AGGCTGTGGCTGGGAGTGACTATGAGCCTGTGACAAGGCAATGGGCCATAATGCAGGAAG[G>A]TGATGAATTCGCAAATCTCACAGTGTCTATTCTTCCTGATGATTTCCCAGAGATGGATGA-3'
Protein context (NP_115495.3, residues 2506-2526): VTRQWAIMQE[Gly2516Asp]DEFANLTVSI

ClinVar aggregate classification (germline): Uncertain significance (1 of 4 stars; one submission).

Submission:

Labcorp Genetics (formerly Invitae), Labcorp
Classification: Uncertain significance. Last evaluated: 2025-03-17. Review status: criteria provided, single submitter. Criteria: Invitae Variant Classification Sherloc (09022015). Collection method: clinical testing. Allele origin: germline.
Comment: This sequence change replaces glycine, which is neutral and non-polar, with aspartic acid, which is acidic and polar, at codon 2516 of the ADGRV1 protein (p.Gly2516Asp). This variant is not present in population databases (gnomAD no frequency). This variant has not been reported in the literature in individuals affected with ADGRV1-related conditions. ClinVar contains an entry for this variant (Variation ID: 1997578). Invitae Evidence Modeling of protein sequence and biophysical properties (such as structural, functional, and spatial information, amino acid conservation, physicochemical variation, residue mobility, and thermodynamic stability) indicates that this missense variant is not expected to disrupt ADGRV1 protein function with a negative predictive value of 95%. In summary, the available evidence is currently insufficient to determine the role of this variant in disease. Therefore, it has been classified as a Variant of Uncertain Significance.